The following is an entry in ClinVar:

NM_004104.5(FASN):c.3623A>G (p.Lys1208Arg)

Gene: FASN (fatty acid synthase; minus strand). Cytogenetic location: 17q25.3.
Variant type: single nucleotide variant.
Coding change: c.3623A>G on transcript NM_004104.5 (MANE Select); coding-DNA position 3623, A replaced by G.
Protein change: p.Lys1208Arg; replaces lysine 1208 with arginine.
Molecular consequence: missense variant.
Genome position (GRCh38, 1-based): chr17:82,086,363, T>C on the plus strand (A>G on the coding strand, the complement: FASN is on the minus strand). VCF-style: chr17-82086363-T-C. GRCh37 (hg19) VCF-style: chr17-80044239-T-C.
Other names: short protein forms K1208R.
Identifiers: ClinVar variation 531027 (VCV000531027.9), dbSNP rs761471160, ClinGen allele CA8852325.

ClinVar aggregate classification (germline): Uncertain significance. Review status: criteria provided, multiple submitters, no conflicts (2 of 4 stars). 2 submissions from 2 submitters: Uncertain significance (2). Last evaluated 2024-09-26.

Conditions:
Epileptic encephalopathy. Identifiers: MedGen C0543888, HP:0200134.

Allele frequency attached by ClinVar (database versions not stated): TOPMed 0.00003; ExAC 0.00001; gnomAD exomes 0.00002.
gnomAD v4.1: 9 of 1,608,948 alleles (0.00056%); highest among the groups gnomAD compares: Admixed American, 0.012%; no homozygotes.

Submissions (2):

Ambry Genetics
Classification: Uncertain significance. Last evaluated: 2024-09-26. Review status: criteria provided, single submitter. Criteria: Ambry Variant Classification Scheme 2023. Collection method: clinical testing. Allele origin: germline.

Labcorp Genetics (formerly Invitae), Labcorp
Classification: Uncertain significance for Epileptic encephalopathy. Last evaluated: 2023-12-30. Review status: criteria provided, single submitter. Criteria: Invitae Variant Classification Sherloc (09022015). Collection method: clinical testing. Allele origin: germline.
Comment: This sequence change replaces lysine, which is basic and polar, with arginine, which is basic and polar, at codon 1208 of the FASN protein (p.Lys1208Arg). This variant is present in population databases (rs761471160, gnomAD 0.01%). This variant has not been reported in the literature in individuals affected with FASN-related conditions. ClinVar contains an entry for this variant (Variation ID: 531027). An algorithm developed to predict the effect of missense changes on protein structure and function (PolyPhen-2) suggests that this variant is likely to be tolerated. In summary, the available evidence is currently insufficient to determine the role of this variant in disease. Therefore, it has been classified as a Variant of Uncertain Significance.